The following is an entry in ClinVar:

NM_000303.3(PMM2):c.724G>T (p.Glu242Ter)

Gene: PMM2 (phosphomannomutase 2; plus strand). Cytogenetic location: 16p13.2.
Variant type: single nucleotide variant.
Coding change: c.724G>T on transcript NM_000303.3 (MANE Select); coding-DNA position 724, G replaced by T.
Protein change: p.Glu242Ter; replaces glutamic acid 242 with a stop codon.
Molecular consequence: nonsense.
Genome position (GRCh38, 1-based): chr16:8,847,808, G>T. VCF-style: chr16-8847808-G-T. GRCh37 (hg19) VCF-style: chr16-8941665-G-T.
Other names: short protein forms E242*.
Identifiers: ClinVar variation 4818143 (VCV004818143.1).

ClinVar aggregate classification (germline): Likely pathogenic (1 of 4 stars; one submission).

Conditions:
PMM2-congenital disorder of glycosylation. Also called: CDG Ia; PMM2-CDG; JAEKEN SYNDROME; PHOSPHOMANNOMUTASE 2 DEFICIENCY; CARBOHYDRATE-DEFICIENT GLYCOPROTEIN SYNDROME, TYPE Ia; Congenital disorder of glycosylation, type Ia. Identifiers: Orphanet 79318, MedGen C0349653, MONDO:0008907, OMIM 212065.

gnomAD v4.1: 1 of 1,613,198 alleles (0.000062%); no homozygotes.

Submission:

Natera, Inc.
Classification: Likely pathogenic for Congenital disorder of glycosylation type 1a. Last evaluated: 2025-11-04. Review status: criteria provided, single submitter. Criteria: Natera Variant Classification Schema (03/2026). Collection method: clinical testing. Allele origin: germline.
Comment: The c.724G>T variant in PMM2 is a nonsense variant predicted to introduce a stop codon at amino acid 242. This variant is expected to result in nonsense mediated decay, truncation, or a dysfunctional protein product. This variant is rare in the general population with a frequency below the threshold expected for the associated phenotype(s). Given the available evidence, this variant is classified as Likely Pathogenic.